The following is an entry in ClinVar:

ClinVar aggregate classification (germline): Pathogenic. Review status: criteria provided, multiple submitters, no conflicts (2 of 4 stars). 2 submissions from 2 submitters: Pathogenic (2). Last evaluated 2025-09-16.

Conditions:
Cardiovascular phenotype. Identifiers: MedGen CN230736.
Telangiectasia, hereditary hemorrhagic, type 2 (HHT2). Also called: ACVRL1-Related Hereditary Hemorrhagic Telangiectasia; Telangiectasia, hereditary hemorrhagic, type II. Identifiers: Orphanet 774, MedGen C1838163, MONDO:0010880, OMIM 600376. Disease mechanism: loss of function.

Submissions (2):

Labcorp Genetics (formerly Invitae), Labcorp
Classification: Pathogenic for Telangiectasia, hereditary hemorrhagic, type 2. Last evaluated: 2025-09-16. Review status: criteria provided, single submitter. Criteria: Invitae Variant Classification Sherloc (09022015). Collection method: clinical testing. Allele origin: germline.
Comment: This sequence change affects a donor splice site in intron 8 of the ACVRL1 gene. It is expected to disrupt RNA splicing. Variants that disrupt the donor or acceptor splice site typically lead to a loss of protein function (PMID: 16199547), and loss-of-function variants in ACVRL1 are known to be pathogenic (PMID: 15879500). This variant is not present in population databases (gnomAD no frequency). Disruption of this splice site has been observed in individual(s) with hereditary hemorrhagic telangiectasia (PMID: 16429404, 16752392, 20414677). ClinVar contains an entry for this variant (Variation ID: 464755). Algorithms developed to predict the effect of sequence changes on RNA splicing suggest that this variant may disrupt the consensus splice site. For these reasons, this variant has been classified as Pathogenic.

Ambry Genetics
Classification: Pathogenic for Cardiovascular phenotype. Last evaluated: 2023-07-14. Review status: criteria provided, single submitter. Criteria: Ambry Variant Classification Scheme 2023. Collection method: clinical testing. Allele origin: germline.
Comment: The c.1246+2T>C intronic pathogenic mutation results from a T to C substitution two nucleotides after coding exon 7 in the ACVRL1 gene. This alteration, also designated as c.1376+2T>G has been report in subjects with hereditary hemorrhagic telangiectasia (HHT) (Lenato GM et al. Hum. Mutat., 2006 Feb;27:213-4; Richards-Yutz J et al. Hum. Genet., 2010 Jul;128:61-77; Karlsson T et al. Ups. J. Med. Sci., 2018 Sep;123:153-157). This variant is considered to be rare based on population cohorts in the Genome Aggregation Database (gnomAD). This nucleotide position is highly conserved in available vertebrate species. In silico splice site analysis predicts that this alteration will weaken the native splice donor site and will result in the creation or strengthening of a novel splice donor site. Alterations that disrupt the canonical splice site are expected to cause aberrant splicing, resulting in an abnormal protein or a transcript that is subject to nonsense-mediated mRNA decay. As such, this alteration is classified as a disease-causing mutation.

Literature cited by the submitters: PubMed 16199547 (cited by Labcorp Genetics (formerly Invitae), Labcorp); PubMed 15879500 (cited by Labcorp Genetics (formerly Invitae), Labcorp); PubMed 16429404 (cited by Labcorp Genetics (formerly Invitae), Labcorp and Ambry Genetics); PubMed 16752392 (cited by Labcorp Genetics (formerly Invitae), Labcorp); PubMed 20414677 (cited by Labcorp Genetics (formerly Invitae), Labcorp and Ambry Genetics); PubMed 30251589 (cited by Ambry Genetics).

NM_000020.3(ACVRL1):c.1246+2T>C

Gene: ACVRL1 (activin A receptor like type 1; plus strand). Cytogenetic location: 12q13.13.
Variant type: single nucleotide variant.
Coding change: c.1246+2T>C on transcript NM_000020.3 (MANE Select); the canonical splice donor site of the intron after coding-DNA position 1246, T replaced by C.
Molecular consequence: splice donor variant. On other transcripts: intron variant (1).
Genome position (GRCh38, 1-based): chr12:51,916,235, T>C. VCF-style: chr12-51916235-T-C. GRCh37 (hg19) VCF-style: chr12-52310019-T-C.
Other names: c.1246+2T>C (NM_001406487.1, NM_001406488.1, NM_001077401.2 and 1 more transcripts); c.934+2T>C (NM_001406491.1, NM_001406490.1, NM_001406492.1 and 1 more transcripts); c.736+735T>C (NM_001406494.1); c.682+2T>C (NM_001406495.1).
Identifiers: ClinVar variation 464755 (VCV000464755.12), dbSNP rs1555153382, ClinGen allele CA384903098.